The following is an entry in ClinVar:

ClinVar aggregate classification (germline): Likely benign (0 of 4 stars; one submission).

Conditions:
PRDM6-related disorder. Also called: PRDM6-related condition.

Allele frequency attached by ClinVar (database versions not stated): gnomAD exomes 0.00003; gnomAD 0.00031; TOPMed 0.00037; 1000 Genomes Project 30x 0.00062.
gnomAD v4.1: 101 of 1,479,568 alleles (0.0068%); highest among the groups gnomAD compares: African/African-American, 0.091%; no homozygotes.

Submission:

PreventionGenetics, part of Exact Sciences
Classification: Likely benign for PRDM6-related condition. Last evaluated: 2024-02-16. Review status: no assertion criteria provided. Collection method: clinical testing. Allele origin: germline.
Comment: This variant is classified as likely benign based on ACMG/AMP sequence variant interpretation guidelines (Richards et al. 2015 PMID: 25741868, with internal and published modifications).

NM_001136239.4(PRDM6):c.315G>A (p.Leu105=)

Gene: PRDM6 (PR/SET domain 6; plus strand). Cytogenetic location: 5q23.2.
Variant type: single nucleotide variant.
Coding change: c.315G>A on transcript NM_001136239.4 (MANE Select); coding-DNA position 315, G replaced by A.
Protein change: p.Leu105=; no amino-acid change (leucine 105 retained).
Molecular consequence: synonymous variant.
Genome position (GRCh38, 1-based): chr5:123,090,329, G>A. VCF-style: chr5-123090329-G-A. GRCh37 (hg19) VCF-style: chr5-122426024-G-A.
Identifiers: ClinVar variation 3055063 (VCV003055063.2), dbSNP rs1043760544, ClinGen allele CA126740852.